The following is an entry in ClinVar:

ClinVar aggregate classification (germline): Uncertain significance (1 of 4 stars; one submission).

gnomAD v4.1: 3 of 1,612,778 alleles (0.00019%); highest among the groups gnomAD compares: Admixed American, 0.0017%; no homozygotes.

Submission:

Labcorp Genetics (formerly Invitae), Labcorp
Classification: Uncertain significance. Last evaluated: 2025-05-21. Review status: criteria provided, single submitter. Criteria: Invitae Variant Classification Sherloc (09022015). Collection method: clinical testing. Allele origin: germline.
Comment: This sequence change replaces arginine, which is basic and polar, with histidine, which is basic and polar, at codon 584 of the OPA1 protein (p.Arg584His). This variant is present in population databases (rs754022891, gnomAD 0.007%). This variant has not been reported in the literature in individuals affected with OPA1-related conditions. ClinVar contains an entry for this variant (Variation ID: 3701429). Invitae Evidence Modeling of protein sequence and biophysical properties (such as structural, functional, and spatial information, amino acid conservation, physicochemical variation, residue mobility, and thermodynamic stability) indicates that this missense variant is not expected to disrupt OPA1 protein function with a negative predictive value of 80%. In summary, the available evidence is currently insufficient to determine the role of this variant in disease. Therefore, it has been classified as a Variant of Uncertain Significance.

NM_130837.3(OPA1):c.1916G>A (p.Arg639His)

Gene: OPA1 (OPA1 mitochondrial dynamin like GTPase; plus strand). Cytogenetic location: 3q29.
Variant type: single nucleotide variant.
Coding change: c.1916G>A on transcript NM_130837.3 (MANE Select); coding-DNA position 1916, G replaced by A.
Protein change: p.Arg639His; replaces arginine 639 with histidine.
Molecular consequence: missense variant.
Genome position (GRCh38, 1-based): chr3:193,648,115, G>A. VCF-style: chr3-193648115-G-A. GRCh37 (hg19) VCF-style: chr3-193365904-G-A.
Other names: c.1382G>A, p.Arg461His (NM_001354663.2); c.1379G>A, p.Arg460His (NM_001354664.2); c.1751G>A, p.Arg584His (NM_015560.3); c.1643G>A, p.Arg548His (NM_130831.3); c.1697G>A, p.Arg566His (NM_130832.3); c.1754G>A, p.Arg585His (NM_130833.3); c.1805G>A, p.Arg602His (NM_130834.3); c.1808G>A, p.Arg603His (NM_130835.3); and 1 more; short protein forms R548H, R566H, R639H, R603H, R621H, R461H, R584H, R602H.
Identifiers: ClinVar variation 3701429 (VCV003701429.2).
Genomic context (GRCh38, chr3:193,648,115, plus strand): 5'-TTCCTTCTTCCTCAGCAACACGTTTTAACCTTGAAACTGAATGGAAGAATAACTATCCTC[G>A]CCTGCGGGAACTTGACCGGGTAATATTTGGATACTCGTGTATTTTGTATATATCTTAATT-3'
Protein context (NP_570850.2, residues 629-649): LETEWKNNYP[Arg639His]LRELDRNELF